The following is an entry in ClinVar:

ClinVar aggregate classification (germline): Uncertain significance (1 of 4 stars; one submission).

Conditions:
Progressive sclerosing poliodystrophy (MTDPS4A). Also called: NEURONAL DEGENERATION OF CHILDHOOD WITH LIVER DISEASE, PROGRESSIVE; ALPERS PROGRESSIVE INFANTILE POLIODYSTROPHY; Mitochondrial DNA Depletion Syndrome 4A; Alpers-Huttenlocher Syndrome (AHS); Alpers Syndrome; ALPERS DIFFUSE DEGENERATION OF CEREBRAL GRAY MATTER WITH HEPATIC CIRRHOSIS. Identifiers: Orphanet 726, MedGen C0205710, MONDO:0008758, OMIM 203700.

Submission:

Labcorp Genetics (formerly Invitae), Labcorp
Classification: Uncertain significance for Progressive sclerosing poliodystrophy. Last evaluated: 2022-07-19. Review status: criteria provided, single submitter. Criteria: Invitae Variant Classification Sherloc (09022015). Collection method: clinical testing. Allele origin: germline.
Comment: ClinVar contains an entry for this variant (Variation ID: 948567). In summary, the available evidence is currently insufficient to determine the role of this variant in disease. Therefore, it has been classified as a Variant of Uncertain Significance. Algorithms developed to predict the effect of missense changes on protein structure and function (SIFT, PolyPhen-2, Align-GVGD) all suggest that this variant is likely to be tolerated. This variant has not been reported in the literature in individuals affected with POLG-related conditions. This variant is not present in population databases (gnomAD no frequency). This sequence change replaces arginine, which is basic and polar, with serine, which is neutral and polar, at codon 24 of the POLG protein (p.Arg24Ser).

NM_002693.3(POLG):c.70C>A (p.Arg24Ser)

Genes: POLG (DNA polymerase gamma, catalytic subunit; minus strand), POLGARF (POLG alternative reading frame; minus strand). Cytogenetic location: 15q26.1.
Variant type: single nucleotide variant.
Coding change: c.70C>A on transcript NM_002693.3 (MANE Select); coding-DNA position 70, C replaced by A.
Protein change: p.Arg24Ser; replaces arginine 24 with serine.
Molecular consequence: missense variant.
Genome position (GRCh38, 1-based): chr15:89,333,685, G>T on the plus strand (C>A on the coding strand, the complement: POLG is on the minus strand). VCF-style: chr15-89333685-G-T. GRCh37 (hg19) VCF-style: chr15-89876916-G-T.
Other names: c.70C>A, p.Arg24Ser (NM_001126131.2); short protein forms R24S.
Identifiers: ClinVar variation 948567 (VCV000948567.10), dbSNP rs1196273210, ClinGen allele CA393774982.